The following is an entry in ClinVar:

ClinVar aggregate classification (germline): Likely pathogenic. Review status: criteria provided, multiple submitters, no conflicts (2 of 4 stars). 2 submissions from 2 submitters: Likely pathogenic (2). Last evaluated 2024-05-23.

Conditions:
COL4A5-related disorders.

Submissions (2):

Labcorp Genetics (formerly Invitae), Labcorp
Classification: Likely pathogenic. Last evaluated: 2024-05-23. Review status: criteria provided, single submitter. Criteria: Invitae Variant Classification Sherloc (09022015). Collection method: clinical testing. Allele origin: germline.
Comment: This sequence change replaces glycine, which is neutral and non-polar, with valine, which is neutral and non-polar, at codon 1448 of the COL4A5 protein (p.Gly1448Val). This variant is not present in population databases (gnomAD no frequency). This variant has not been reported in the literature in individuals affected with COL4A5-related conditions. Advanced modeling of protein sequence and biophysical properties (such as structural, functional, and spatial information, amino acid conservation, physicochemical variation, residue mobility, and thermodynamic stability) performed at Invitae indicates that this missense variant is expected to disrupt COL4A5 protein function with a positive predictive value of 95%. This variant disrupts the triple helix domain of COL4A5. Glycine residues within the Gly-Xaa-Yaa repeats of the triple helix domain are required for the structure and stability of fibrillar collagens (PMID: 7695699, 8218237, 19344236). In COL4A5, missense variants at these glycine residues are significantly enriched in individuals with disease (PMID: 23720012, 27627812) compared to the general population (ExAC). This variant disrupts the p.Gly1448 amino acid residue in COL4A5. Other variant(s) that disrupt this residue have been observed in individuals with COL4A5-related conditions (PMID: 15780079, 25307721; Invitae), which suggests that this may be a clinically significant amino acid residue. In summary, the currently available evidence indicates that the variant is pathogenic, but additional data are needed to prove that conclusively. Therefore, this variant has been classified as Likely Pathogenic.

Blueprint Genetics
Classification: Likely pathogenic for COL4A5-related disorders. Last evaluated: 2020-08-27. Review status: criteria provided, single submitter. Criteria: ACMG Guidelines, 2015. Collection method: clinical testing. Allele origin: germline. Affected: yes. Observed: 3 variant alleles.

Literature cited by the submitters: PubMed 7695699 (cited by Labcorp Genetics (formerly Invitae), Labcorp); PubMed 8218237 (cited by Labcorp Genetics (formerly Invitae), Labcorp); PubMed 19344236 (cited by Labcorp Genetics (formerly Invitae), Labcorp); PubMed 23720012 (cited by Labcorp Genetics (formerly Invitae), Labcorp); PubMed 27627812 (cited by Labcorp Genetics (formerly Invitae), Labcorp); PubMed 15780079 (cited by Labcorp Genetics (formerly Invitae), Labcorp); PubMed 25307721 (cited by Labcorp Genetics (formerly Invitae), Labcorp).

NM_033380.3(COL4A5):c.4361G>T (p.Gly1454Val)

Gene: COL4A5 (collagen type IV alpha 5 chain; plus strand). Cytogenetic location: Xq22.3.
Variant type: single nucleotide variant.
Coding change: c.4361G>T on transcript NM_033380.3 (MANE Select); coding-DNA position 4361, G replaced by T.
Protein change: p.Gly1454Val; replaces glycine 1454 with valine.
Molecular consequence: missense variant.
Genome position (GRCh38, 1-based): chrX:108,687,527, G>T. VCF-style: chrX-108687527-G-T. GRCh37 (hg19) VCF-style: chrX-107930757-G-T.
Other names: c.4343G>T, p.Gly1448Val (NM_000495.5); short protein forms G1448V, G1454V.
Identifiers: ClinVar variation 3636332 (VCV003636332.3).